The following is an entry in ClinVar:

NM_000264.5(PTCH1):c.4034G>A (p.Arg1345His)

Gene: PTCH1 (patched 1; minus strand). Cytogenetic location: 9q22.32.
Variant type: single nucleotide variant.
Coding change: c.4034G>A on transcript NM_000264.5 (MANE Select); coding-DNA position 4034, G replaced by A.
Protein change: p.Arg1345His; replaces arginine 1345 with histidine.
Molecular consequence: missense variant. On other transcripts: non-coding transcript variant (1).
Genome position (GRCh38, 1-based): chr9:95,447,222, C>T on the plus strand (G>A on the coding strand, the complement: PTCH1 is on the minus strand). VCF-style: chr9-95447222-C-T. GRCh37 (hg19) VCF-style: chr9-98209504-C-T.
Other names: c.3836G>A, p.Arg1279His (NM_001083602.3); c.4031G>A, p.Arg1344His (NM_001083603.3); c.3581G>A, p.Arg1194His (NM_001083604.3, NM_001083605.3, NM_001083606.3 and 1 more transcripts); c.3878G>A, p.Arg1293His (NM_001354918.2); short protein forms R1279H, R1345H, R1344H, R1194H, R1293H.
Identifiers: ClinVar variation 216387 (VCV000216387.16), dbSNP rs766315655, ClinGen allele CA338163.
Genomic context (GRCh38, chr9:95,447,222, plus strand): 5'-CAGTAGCCGGGCACGGAGCTGCCCATGGCAGTGGACGCTGGGTTCCGAGGGTTGTGAGAA[C>T]GGGCCCCGCGAGGGCCCCAGCGGGCCCTATTGCTAGGGCCAGAATGCCCTTCAGTAGAAA-3'
Protein context (NP_000255.2, residues 1335-1355): NRARWGPRGA[Arg1345His]SHNPRNPAST

ClinVar aggregate classification (germline): Conflicting classifications of pathogenicity. Review status: criteria provided, conflicting classifications (1 of 4 stars). 3 submissions from 3 submitters: Uncertain significance (1); Benign (1); Likely benign (1). Last evaluated 2025-11-30.

Conditions:
Hereditary cancer-predisposing syndrome. Also called: Tumor predisposition; Hereditary Cancer Syndrome; Neoplastic Syndromes, Hereditary; Hereditary neoplastic syndrome. Identifiers: Orphanet 140162, MedGen C0027672, MeSH D009386, MONDO:0015356.
Gorlin syndrome. Also called: Nevoid Basal Cell Carcinoma Syndrome; Basal cell nevus syndrome. Identifiers: Orphanet 377, MedGen C0004779, MONDO:0007187.

Allele frequency attached by ClinVar (database versions not stated): ExAC 0.00001; gnomAD 0.00002; gnomAD exomes 0.00002; TOPMed 0.00002.
gnomAD v4.1: 59 of 1,611,438 alleles (0.0037%); highest among the groups gnomAD compares: South Asian, 0.0077%; no homozygotes.

Submissions (3):

Labcorp Genetics (formerly Invitae), Labcorp
Classification: Benign for Gorlin syndrome. Last evaluated: 2025-11-30. Review status: criteria provided, single submitter. Criteria: Invitae Variant Classification Sherloc (09022015). Collection method: clinical testing. Allele origin: germline.

Ambry Genetics
Classification: Likely benign for Hereditary cancer-predisposing syndrome. Last evaluated: 2023-03-22. Review status: criteria provided, single submitter. Criteria: Ambry Variant Classification Scheme 2023. Collection method: clinical testing. Allele origin: germline.

Sema4
Classification: Uncertain significance for Hereditary cancer-predisposing syndrome. Last evaluated: 2021-12-05. Review status: criteria provided, single submitter. Criteria: Sema4 Curation Guidelines. Collection method: curation. Allele origin: germline.
Comment: The PTCH1 c.4034G>A (p.R1345H) variant has not been reported in the literature to our knowledge. It was observed in 2/30564 chromosomes of the South Asian subpopulation in the large and broad cohorts of the Genome Aggregation Database (PMID: 32461654). The variant has been reported in ClinVar (Variation ID: 216387). Functional studies have not been performed, and in silico predictions of the variant's effect on protein function are inconclusive. The evidence is insufficient to meet ACMG/AMP criteria for classifying the variant as benign or pathogenic. Thus, the clinical significance of this variant is currently uncertain.